The following is an entry in ClinVar:

ClinVar aggregate classification (germline): Uncertain significance. Review status: criteria provided, multiple submitters, no conflicts (2 of 4 stars). 2 submissions from 2 submitters: Uncertain significance (2). Last evaluated 2024-11-27.

Conditions:
Inborn genetic diseases. Identifiers: MedGen C0950123, MeSH D030342.

Allele frequency attached by ClinVar (database versions not stated): gnomAD exomes 0.00001 and 0.00002; TOPMed 0.00002; gnomAD 0.00003.
gnomAD v4.1: 18 of 1,613,964 alleles (0.0011%); highest among the groups gnomAD compares: Admixed American, 0.015%; no homozygotes.

Submissions (2):

Ambry Genetics
Classification: Uncertain significance for Inborn genetic diseases. Last evaluated: 2024-11-27. Review status: criteria provided, single submitter. Criteria: Ambry Variant Classification Scheme 2023. Collection method: clinical testing. Allele origin: germline.
Comment: The p.P54L variant (also known as c.161C>T), located in coding exon 2 of the USB1 gene, results from a C to T substitution at nucleotide position 161. The proline at codon 54 is replaced by leucine, an amino acid with similar properties. This amino acid position is conserved. In addition, this alteration is predicted to be tolerated by in silico analysis. Based on the available evidence, the clinical significance of this variant remains unclear.

Labcorp Genetics (formerly Invitae), Labcorp
Classification: Uncertain significance. Last evaluated: 2024-07-30. Review status: criteria provided, single submitter. Criteria: Invitae Variant Classification Sherloc (09022015). Collection method: clinical testing. Allele origin: germline.
Comment: This sequence change replaces proline, which is neutral and non-polar, with leucine, which is neutral and non-polar, at codon 54 of the USB1 protein (p.Pro54Leu). This variant is present in population databases (no rsID available, gnomAD 0.009%). This variant has not been reported in the literature in individuals affected with USB1-related conditions. ClinVar contains an entry for this variant (Variation ID: 1394404). Advanced modeling of protein sequence and biophysical properties (such as structural, functional, and spatial information, amino acid conservation, physicochemical variation, residue mobility, and thermodynamic stability) performed at Invitae indicates that this missense variant is not expected to disrupt USB1 protein function with a negative predictive value of 80%. In summary, the available evidence is currently insufficient to determine the role of this variant in disease. Therefore, it has been classified as a Variant of Uncertain Significance.

NM_024598.4(USB1):c.161C>T (p.Pro54Leu)

Gene: USB1 (U6 snRNA biogenesis phosphodiesterase 1; plus strand). Cytogenetic location: 16q21.
Variant type: single nucleotide variant.
Coding change: c.161C>T on transcript NM_024598.4 (MANE Select); coding-DNA position 161, C replaced by T.
Protein change: p.Pro54Leu; replaces proline 54 with leucine.
Molecular consequence: missense variant.
Genome position (GRCh38, 1-based): chr16:58,002,541, C>T. VCF-style: chr16-58002541-C-T. GRCh37 (hg19) VCF-style: chr16-58036445-C-T.
Other names: c.161C>T, p.Pro54Leu (NM_001195302.2, NM_001204911.2, NM_001330569.2); c.8C>T, p.Pro3Leu (NM_001330568.2); c.161C>T (NM_024598.3); short protein forms P54L, P3L.
Identifiers: ClinVar variation 1394404 (VCV001394404.7), dbSNP rs1345800871, ClinGen allele CA396085497.